The following is an entry in ClinVar:

ClinVar aggregate classification (germline): Pathogenic (1 of 4 stars; one submission).

Submission:

Ambry Genetics
Classification: Pathogenic. Last evaluated: 2025-05-06. Review status: criteria provided, single submitter. Criteria: Ambry Variant Classification Scheme 2023. Collection method: clinical testing. Allele origin: germline.
Comment: The c.4619_4620delAT alteration, located in exon 38 (coding exon 35) of the FRYL gene, consists of a deletion of 2 nucleotides from position 4619 to 4620, causing a translational frameshift with a predicted alternate stop codon at amino acid 1540. This alteration is expected to result in loss of function by premature protein truncation or nonsense-mediated mRNA decay. This variant was not reported in population-based cohorts in the Genome Aggregation Database (gnomAD). Based on the available evidence, this alteration is classified as pathogenic.

NM_015030.2(FRYL):c.4619_4620del (p.Ser1539_Tyr1540insTer)

Gene: FRYL (FRY like transcription coactivator; minus strand). Cytogenetic location: 4p11.
Variant type: Deletion.
Coding change: c.4619_4620del on transcript NM_015030.2 (MANE Select); coding-DNA positions 4619 to 4620, 2 bases deleted (AT; older notation c.4619_4620delAT).
Protein change: p.Ser1539_Tyr1540insTer.
Molecular consequence: nonsense.
Genome position (GRCh38, 1-based): chr4:48,550,605-48,550,606, AT deleted on the plus strand (AT on the coding strand, the reverse complement: FRYL is on the minus strand); deleting any 2 consecutive bases within chr4:48,550,605-48,550,607 gives the same sequence; the c. name uses the placement nearest the transcript's 3' end. VCF-style (leftmost placement, unchanged base first): chr4-48550604-CAT-C. GRCh37 (hg19) VCF-style: chr4-48552621-CAT-C.
Identifiers: ClinVar variation 4026960 (VCV004026960.1).